The following is an entry in ClinVar:

ClinVar aggregate classification (germline): Likely pathogenic (1 of 4 stars; one submission).

Conditions:
Seizures, benign familial infantile, 3 (BFIS3). Also called: Familial neonatal seizures; CONVULSIONS, BENIGN FAMILIAL INFANTILE, 3. Identifiers: Orphanet 140927, Orphanet 306, MedGen C1843140, MONDO:0011904, OMIM 607745.
Developmental and epileptic encephalopathy, 11 (DEE11). Also called: Early infantile epileptic encephalopathy 11. Identifiers: Orphanet 1934, MedGen C3150987, MONDO:0013388, OMIM 613721.

Submission:

Labcorp Genetics (formerly Invitae), Labcorp
Classification: Likely pathogenic for Seizures, benign familial infantile, 3; Developmental and epileptic encephalopathy, 11. Last evaluated: 2024-06-11. Review status: criteria provided, single submitter. Criteria: Invitae Variant Classification Sherloc (09022015). Collection method: clinical testing. Allele origin: germline.
Comment: This sequence change replaces serine, which is neutral and polar, with cysteine, which is neutral and slightly polar, at codon 987 of the SCN2A protein (p.Ser987Cys). This variant is not present in population databases (gnomAD no frequency). This missense change has been observed in individual(s) with clinical features of SCN2A-related conditions (Invitae). ClinVar contains an entry for this variant (Variation ID: 1502099). Advanced modeling of protein sequence and biophysical properties (such as structural, functional, and spatial information, amino acid conservation, physicochemical variation, residue mobility, and thermodynamic stability) performed at Invitae indicates that this missense variant is expected to disrupt SCN2A protein function with a positive predictive value of 95%. This variant disrupts the p.Ser987 amino acid residue in SCN2A. Other variant(s) that disrupt this residue have been determined to be pathogenic (PMID: 26993267, 27353043, 30928199). This suggests that this residue is clinically significant, and that variants that disrupt this residue are likely to be disease-causing. In summary, the currently available evidence indicates that the variant is pathogenic, but additional data are needed to prove that conclusively. Therefore, this variant has been classified as Likely Pathogenic.

Literature cited by the submitters: PubMed 26993267; PubMed 27353043; PubMed 30928199.

NM_001040142.2(SCN2A):c.2959A>T (p.Ser987Cys)

Gene: SCN2A (sodium voltage-gated channel alpha subunit 2; plus strand). Cytogenetic location: 2q24.3.
Variant type: single nucleotide variant.
Coding change: c.2959A>T on transcript NM_001040142.2 (MANE Select); coding-DNA position 2959, A replaced by T.
Protein change: p.Ser987Cys; replaces serine 987 with cysteine.
Molecular consequence: missense variant.
Genome position (GRCh38, 1-based): chr2:165,354,231, A>T. VCF-style: chr2-165354231-A-T. GRCh37 (hg19) VCF-style: chr2-166210741-A-T.
Other names: c.2959A>T, p.Ser987Cys (NM_001040143.2, NM_001371246.1, NM_001371247.1 and 1 more transcripts); short protein forms S987C.
Identifiers: ClinVar variation 1502099 (VCV001502099.8), dbSNP rs2105336842, ClinGen allele CA349019480.